The following is an entry in ClinVar:

ClinVar aggregate classification (germline): Pathogenic (1 of 4 stars; one submission).

Submission:

GeneDx
Classification: Pathogenic. Last evaluated: 2022-04-18. Review status: criteria provided, single submitter. Criteria: GeneDx Variant Classification Process June 2021. Collection method: clinical testing. Allele origin: germline. Affected: yes.
Comment: Frameshift variant predicted to result in protein truncation or nonsense mediated decay in a gene for which loss-of-function is a known mechanism of disease; Not observed in large population cohorts (gnomAD); Has not been previously published as pathogenic or benign to our knowledge

NM_001370100.5(ZMYND11):c.1328_1332del (p.Leu443fs)

Genes: ZMYND11 (zinc finger MYND-type containing 11; plus strand), LOC126860802 (BRD4-independent group 4 enhancer GRCh37_chr10:294268-295467; plus strand). Cytogenetic location: 10p15.3.
Variant type: Deletion.
Coding change: c.1328_1332del on transcript NM_001370100.5 (MANE Select); coding-DNA positions 1328 to 1332, 5 bases deleted (TAAGT; older notation c.1328_1332delTAAGT).
Protein change: p.Leu443fs; shifts the reading frame from leucine 443.
Molecular consequence: frameshift variant. On other transcripts: non-coding transcript variant (1).
Genome position (GRCh38, 1-based): chr10:248,436-248,440, TAAGT deleted; deleting any 5 consecutive bases within chr10:248,432-248,440 gives the same sequence; the c. name uses the placement nearest the transcript's 3' end. VCF-style (leftmost placement, unchanged base first): chr10-248431-GAAGTT-G. GRCh37 (hg19) VCF-style: chr10-294371-GAAGTT-G.
Other names: c.1166_1170del, p.Leu389fs (NM_001202464.3, NM_001202467.1, NM_001370103.2 and 6 more transcripts); c.1073_1077del, p.Leu358fs (NM_001202465.3, NM_001370110.2); c.1163_1167del, p.Leu388fs (NM_001202466.3, NM_001370111.2); c.1328_1332del, p.Leu443fs (NM_001202468.1, NM_001370097.3, NM_001370098.2 and 4 more transcripts); c.1277_1281del, p.Leu426fs (NM_001330057.3, NM_001370112.2); c.1235_1239del, p.Leu412fs (NM_001370113.2, NM_001370114.2); c.1325_1329del, p.Leu442fs (NM_001370115.2, NM_212479.4); c.1262_1266del, p.Leu421fs (NM_001370116.2); and 8 more; short protein forms L286fs, L324fs, L341fs, L349fs, L358fs, L367fs, L388fs, L389fs.
Identifiers: ClinVar variation 1683796 (VCV001683796.2), dbSNP rs2131964527, ClinGen allele CA2573050509.